The following is an entry in ClinVar:

NM_201384.3(PLEC):c.5462A>C (p.Glu1821Ala)

Gene: PLEC (plectin; minus strand). Cytogenetic location: 8q24.3.
Variant type: single nucleotide variant.
Coding change: c.5462A>C on transcript NM_201384.3 (MANE Select); coding-DNA position 5462, A replaced by C.
Protein change: p.Glu1821Ala; replaces glutamic acid 1821 with alanine.
Molecular consequence: missense variant. On other transcripts: intron variant (1).
Genome position (GRCh38, 1-based): chr8:143,924,467, T>G on the plus strand (A>C on the coding strand, the complement: PLEC is on the minus strand). VCF-style: chr8-143924467-T-G. GRCh37 (hg19) VCF-style: chr8-144998635-T-G.
Other names: c.5543A>C, p.Glu1848Ala (NM_000445.5); c.5420A>C, p.Glu1807Ala (NM_201378.4); c.5396A>C, p.Glu1799Ala (NM_201379.3); c.5873A>C, p.Glu1958Ala (NM_201380.4); c.5366A>C, p.Glu1789Ala (NM_201381.3); c.5462A>C, p.Glu1821Ala (NM_201382.4); c.5474A>C, p.Glu1825Ala (NM_201383.3); c.4126-2072A>C (NM_001410941.1); short protein forms E1789A, E1799A, E1807A, E1821A, E1825A, E1848A, E1958A.
Identifiers: ClinVar variation 3761088 (VCV003761088.2).
Genomic context (GRCh38, chr8:143,924,467, plus strand): 5'-GCGGCCAGCTTCTCCGCAAGCACCCGCTCCGCCTCGGCCCGCTGCCGCGCCGCGTCTTCC[T>G]CGGCCAGCTGCCGCTGCCGCTTGGCCTCTTCCGCCAGGGCACGCAGGCGGGCGGCCTCCT-3'
Protein context (NP_958786.1, residues 1811-1831): EEAKRQRQLA[Glu1821Ala]EDAARQRAEA

ClinVar aggregate classification (germline): Uncertain significance (1 of 4 stars; one submission).

Conditions:
Epidermolysis bullosa simplex with nail dystrophy (EBS5D). Identifiers: MedGen C4225309, MONDO:0014661, OMIM 616487.
Epidermolysis bullosa simplex, Ogna type (EBS5A). Also called: EPIDERMOLYSIS BULLOSA SIMPLEX 5A, OGNA TYPE; Pidermolysis bullosa simplex 5A, Ogna type. Identifiers: Orphanet 79401, MedGen C0432317, MONDO:0007555, OMIM 131950.
Autosomal recessive limb-girdle muscular dystrophy type 2Q (LGMDR17). Also called: MUSCULAR DYSTROPHY, LIMB-GIRDLE, AUTOSOMAL RECESSIVE 17. Identifiers: Orphanet 254361, MedGen C3150989, MONDO:0013390, OMIM 613723.
Epidermolysis bullosa simplex 5B, with muscular dystrophy (EBS5B). Also called: EPIDERMOLYSIS BULLOSA SIMPLEX AND LIMB-GIRDLE MUSCULAR DYSTROPHY; Epidermolysis bullosa simplex with muscular dystrophy. Identifiers: Orphanet 257, MedGen C2931072, MONDO:0009181, OMIM 226670.
Epidermolysis bullosa simplex 5C, with pyloric atresia (EBS5C). Also called: PLEC1-Related Epidermolysis Bullosa with Pyloric Atresia; PLEC-Related Epidermolysis Bullosa with Pyloric Atresia; Epidermolysis bullosa simplex with pyloric atresia. Identifiers: Orphanet 158684, MedGen C2677349, MONDO:0012807, OMIM 612138.

gnomAD v4.1: 3 of 1,545,000 alleles (0.00019%); highest among the groups gnomAD compares: Non-Finnish European, 0.00026%; no homozygotes.

Submission:

Labcorp Genetics (formerly Invitae), Labcorp
Classification: Uncertain significance for Autosomal recessive limb-girdle muscular dystrophy type 2Q; Epidermolysis bullosa simplex, Ogna type; Epidermolysis bullosa simplex with nail dystrophy; Epidermolysis bullosa simplex 5C, with pyloric atresia; Epidermolysis bullosa simplex 5B, with muscular dystrophy. Last evaluated: 2024-10-17. Review status: criteria provided, single submitter. Criteria: Invitae Variant Classification Sherloc (09022015). Collection method: clinical testing. Allele origin: germline.
Comment: This sequence change replaces glutamic acid, which is acidic and polar, with alanine, which is neutral and non-polar, at codon 1848 of the PLEC protein (p.Glu1848Ala). This variant is present in population databases (no rsID available, gnomAD 0.003%). This variant has not been reported in the literature in individuals affected with PLEC-related conditions. Experimental studies and prediction algorithms are not available or were not evaluated, and the functional significance of this variant is currently unknown. In summary, the available evidence is currently insufficient to determine the role of this variant in disease. Therefore, it has been classified as a Variant of Uncertain Significance.